The following is an entry in ClinVar:

GRCh38/hg38 Xq28(chrX:155980375-156013167)x0

Gene: IL9R (interleukin 9 receptor; plus strand). Cytogenetic location: Xq28.
Variant type: copy number loss.
Change: copy number 0 of chrX:155,980,375-156,013,167 (32.8 kb, GRCh38 coordinates, 1-based), cytogenetic band Xq28.
Identifiers: ClinVar variation 57500 (VCV000057500.1).

ClinVar aggregate classification (germline): Benign (1 of 4 stars; one submission).

Submission:

ISCA site 4
Classification: Benign. Last evaluated: 2011-08-12. Review status: criteria provided, single submitter. Criteria: Kaminsky et al. (Genet Med. 2011). Collection method: clinical testing. Allele origin: unknown. Affected: yes. Observed: 1 variant allele.
Comment: Copy number variation identified through the course of routine clinical cytogenomic testing in postnatal populations. Clinical assertions have been curated as described in Kaminsky et al. 2011.